The following is an entry in ClinVar:

NM_007294.4(BRCA1):c.2545G>A (p.Glu849Lys)

Gene: BRCA1 (BRCA1 DNA repair associated; minus strand). Cytogenetic location: 17q21.31.
Variant type: single nucleotide variant.
Coding change: c.2545G>A on transcript NM_007294.4 (MANE Select); coding-DNA position 2545, G replaced by A.
Protein change: p.Glu849Lys; replaces glutamic acid 849 with lysine.
Molecular consequence: missense variant. On other transcripts: intron variant (137).
Genome position (GRCh38, 1-based): chr17:43,092,986, C>T on the plus strand (G>A on the coding strand, the complement: BRCA1 is on the minus strand). VCF-style: chr17-43092986-C-T. GRCh37 (hg19) VCF-style: chr17-41245003-C-T.
Other names: c.671-1954G>A (NM_001408419.1, NM_001408422.1, NM_001408418.1 and 2 more transcripts); c.787+1758G>A (NM_001408403.1, NM_001407983.1, NM_001407975.1 and 17 more transcripts); c.646+1758G>A (NM_001408456.1, NM_001408460.1, NM_001408454.1 and 11 more transcripts); c.643+1758G>A (NM_001408465.1, NM_001408463.1, NM_001408462.1 and 3 more transcripts); c.577+1758G>A (NM_001408482.1, NM_001408479.1, NM_001408489.1 and 9 more transcripts); c.520+1758G>A (NM_001408504.1, NM_001408503.1, NM_001408505.1); c.523+1758G>A (NM_001408499.1, NM_001408498.1, NM_001408501.1 and 3 more transcripts); c.586+1758G>A (NM_001408476.1, NM_001408474.1); and 41 more; short protein forms E722K, E761K, E779K, E802K, E846K, E553K, E721K, E738K.
Identifiers: ClinVar variation 4625581 (VCV004625581.1).

ClinVar aggregate classification (germline): Uncertain significance (1 of 4 stars; one submission).

Conditions:
Hereditary cancer-predisposing syndrome. Also called: Neoplastic Syndromes, Hereditary; Tumor predisposition; Hereditary Cancer Syndrome; Hereditary neoplastic syndrome. Identifiers: Orphanet 140162, MedGen C0027672, MeSH D009386, MONDO:0015356.

Submission:

Ambry Genetics
Classification: Uncertain significance for Hereditary cancer-predisposing syndrome. Last evaluated: 2025-11-25. Review status: criteria provided, single submitter. Criteria: Ambry Variant Classification Scheme 2023. Collection method: clinical testing. Allele origin: germline.
Comment: The p.E849K variant (also known as c.2545G>A), located in coding exon 9 of the BRCA1 gene, results from a G to A substitution at nucleotide position 2545. The glutamic acid at codon 849 is replaced by lysine, an amino acid with similar properties. This amino acid position is not well conserved in available vertebrate species. In addition, the in silico prediction for this alteration is inconclusive. Based on the available evidence, the clinical significance of this variant remains unclear.